The following is an entry in ClinVar:

ClinVar aggregate classification (germline): Likely benign. Review status: criteria provided, multiple submitters, no conflicts (2 of 4 stars). 2 submissions from 2 submitters: Likely benign (2). Last evaluated 2025-12-15.

Conditions:
Fanconi anemia complementation group O. Also called: RAD51C-Related Fanconi Anemia. Identifiers: Orphanet 84, MedGen C3150653, MONDO:0013248, OMIM 613390.
Breast-ovarian cancer, familial, susceptibility to, 3. Also called: RAD51C-Related Breast/Ovarian Cancer. Identifiers: Orphanet 145, MedGen C3150659, MONDO:0013253, OMIM 613399.

Submissions (2):

Labcorp Genetics (formerly Invitae), Labcorp
Classification: Likely benign for Fanconi anemia complementation group O. Last evaluated: 2025-12-15. Review status: criteria provided, single submitter. Criteria: Invitae Variant Classification Sherloc (09022015). Collection method: clinical testing. Allele origin: germline.

Myriad Genetics, Inc.
Classification: Likely benign for Breast-ovarian cancer, familial, susceptibility to, 3. Last evaluated: 2025-02-18. Review status: criteria provided, single submitter. Criteria: Myriad Autosomal Dominant, Autosomal Recessive and X-Linked Classification Criteria (2023). Collection method: clinical testing. Allele origin: unknown.
Comment: This variant is considered likely benign. This variant is intronic and is not expected to impact mRNA splicing.

NM_058216.3(RAD51C):c.405-18T>C

Gene: RAD51C (RAD51 paralog C; plus strand). Cytogenetic location: 17q22.
Variant type: single nucleotide variant.
Coding change: c.405-18T>C on transcript NM_058216.3 (MANE Select); 18 bases into the intron before coding-DNA position 405, T replaced by C.
Molecular consequence: intron variant.
Genome position (GRCh38, 1-based): chr17:58,696,675, T>C. VCF-style: chr17-58696675-T-C. GRCh37 (hg19) VCF-style: chr17-56774036-T-C.
Identifiers: ClinVar variation 1608701 (VCV001608701.9), dbSNP rs2143742452, ClinGen allele CA2573154414.